The following is an entry in ClinVar:

NM_001365276.2(TNXB):c.7051G>A (p.Gly2351Arg)

Gene: TNXB (tenascin XB; minus strand). Cytogenetic location: 6p21.33.
Variant type: single nucleotide variant.
Coding change: c.7051G>A on transcript NM_001365276.2 (MANE Select); coding-DNA position 7051, G replaced by A.
Protein change: p.Gly2351Arg; replaces glycine 2351 with arginine.
Molecular consequence: missense variant.
Genome position (GRCh38, 1-based): chr6:32,062,274, C>T on the plus strand (G>A on the coding strand, the complement: TNXB is on the minus strand). VCF-style: chr6-32062274-C-T. GRCh37 (hg19) VCF-style: chr6-32030051-C-T.
Other names: c.7051G>A, p.Gly2351Arg (NM_019105.8); short protein forms G2351R.
Identifiers: ClinVar variation 1207409 (VCV001207409.13), dbSNP rs201638755, ClinGen allele CA3734268.
Genomic context (GRCh38, chr6:32,062,274, plus strand): 5'-GGTTCATCTTGTACTTGTTGTCTGGCTCCAGGCCGGAGATGGTGACCCTGTCCTCATGTC[C>T]TGGCACCCGTGTTGCCTTGGGCTGCCCATCCCCATTCTTGTACTGGACCAGGAAGTGGTC-3'
Protein context (NP_001352205.1, residues 2341-2361): DGQPKATRVP[Gly2351Arg]HEDRVTISGL

ClinVar aggregate classification (germline): Benign/Likely benign. Review status: criteria provided, multiple submitters, no conflicts (2 of 4 stars). 5 submissions from 5 submitters: Benign (3); Likely benign (2). Last evaluated 2026-01-17.

Conditions:
Cardiovascular phenotype. Identifiers: MedGen CN230736.
Vesicoureteral reflux 8 (VUR8). Identifiers: Orphanet 289365, MedGen C4014831, MONDO:0014422, OMIM 615963.
Ehlers-Danlos syndrome due to tenascin-X deficiency (EDSCLL1). Also called: TNX DEFICIENCY; EHLERS-DANLOS SYNDROME, CLASSIC-LIKE; Ehlers-Danlos syndrome, classic-like, 1; TNXB-Related Classical-Like Ehlers-Danlos Syndrome; EDS DUE TO TNX DEFICIENCY. Identifiers: Orphanet 230839, MedGen C1848029, MONDO:0011670, OMIM 606408.

Allele frequency attached by ClinVar (database versions not stated): gnomAD exomes 0.00013 and 0.00046; ExAC 0.00048; TOPMed 0.00161; gnomAD 0.00163 and 0.00166; ESP Exome Variant Server 0.00175; 1000 Genomes Project 0.00359; 1000 Genomes Project 30x 0.00406.
gnomAD v4.1: 449 of 1,613,414 alleles (0.028%); highest among the groups gnomAD compares: African/African-American, 0.46%; 3 homozygotes.

Submissions (5):

Labcorp Genetics (formerly Invitae), Labcorp
Classification: Benign. Last evaluated: 2026-01-17. Review status: criteria provided, single submitter. Criteria: Invitae Variant Classification Sherloc (09022015). Collection method: clinical testing. Allele origin: germline.

CeGaT Center for Human Genetics Tuebingen
Classification: Likely benign. Last evaluated: 2025-11-01. Review status: criteria provided, single submitter. Criteria: CeGaT Center For Human Genetics Tuebingen Variant Classification Criteria Version 2. Collection method: clinical testing. Allele origin: germline. Affected: yes. Observed: 1 variant allele.
Comment: TNXB: BP4, BS2

Fulgent Genetics
Classification: Benign for Ehlers-Danlos syndrome due to tenascin-X deficiency; Vesicoureteral reflux 8. Last evaluated: 2022-05-11. Review status: criteria provided, single submitter. Criteria: ACMG Guidelines, 2015. Collection method: clinical testing. Allele origin: unknown.

GeneDx
Classification: Likely benign. Last evaluated: 2020-01-28. Review status: criteria provided, single submitter. Criteria: GeneDx Variant Classification Process June 2021. Collection method: clinical testing. Allele origin: germline. Affected: yes.

Ambry Genetics
Classification: Benign for Cardiovascular phenotype. Last evaluated: 2019-09-12. Review status: criteria provided, single submitter. Criteria: Ambry Variant Classification Scheme 2023. Collection method: clinical testing. Allele origin: germline.